The following is an entry in ClinVar:

NM_005476.7(GNE):c.1775_1786del (p.Ser592_Ala595del)

Gene: GNE (glucosamine (UDP-N-acetyl)-2-epimerase/N-acetylmannosamine kinase; minus strand). Cytogenetic location: 9p13.3.
Variant type: Deletion.
Coding change: c.1775_1786del on transcript NM_005476.7 (MANE Select); coding-DNA positions 1775 to 1786, 12 bases deleted (CTGGAATGGCCT).
Protein change: p.Ser592_Ala595del.
Molecular consequence: inframe deletion.
Genome position (GRCh38, 1-based): chr9:36,219,868-36,219,879, AGGCCATTCCAG deleted on the plus strand (CTGGAATGGCCT on the coding strand, the reverse complement: GNE is on the minus strand); deleting any 12 consecutive bases within chr9:36,219,868-36,219,883 gives the same sequence; the c. name uses the placement nearest the transcript's 3' end. VCF-style (leftmost placement, unchanged base first): chr9-36219867-AAGGCCATTCCAG-A. GRCh37 (hg19) VCF-style: chr9-36219864-AAGGCCATTCCAG-A.
Other names: c.1868_1879del, p.Ser623_Ala626del (NM_001128227.3); c.1553_1564del, p.Ser518_Ala521del (NM_001190383.3); c.1445_1456del, p.Ser482_Ala485del (NM_001190384.3); c.1598_1609del, p.Ser533_Ala536del (NM_001190388.2, NM_001374798.1); c.1622_1633del, p.Ser541_Ala544del (NM_001374797.1).
Identifiers: ClinVar variation 944084 (VCV000944084.8), dbSNP rs1828507134, ClinGen allele CA1139660951.

ClinVar aggregate classification (germline): Uncertain significance (1 of 4 stars; one submission).

Conditions:
GNE myopathy (NM). Also called: INCLUSION BODY MYOPATHY, HEREDITARY, AUTOSOMAL RECESSIVE; NONAKA DISTAL MYOPATHY; INCLUSION BODY MYOPATHY 2, AUTOSOMAL RECESSIVE; MYOPATHY, DISTAL, WITH OR WITHOUT RIMMED VACUOLES; IBM 2; Inclusion body myopathy autosomal recessive. Identifiers: Orphanet 602, MedGen C1853926, MONDO:0011603, OMIM 605820.
Sialuria. Also called: Sialic Acid Storage Disease; SIALURIA, FRENCH TYPE. Identifiers: Orphanet 3166, MedGen C0342853, MONDO:0010028, OMIM 269921.

Submission:

Labcorp Genetics (formerly Invitae), Labcorp
Classification: Uncertain significance for Sialuria; GNE myopathy. Last evaluated: 2019-07-31. Review status: criteria provided, single submitter. Criteria: Invitae Variant Classification Sherloc (09022015). Collection method: clinical testing. Allele origin: germline.
Comment: This variant has not been reported in the literature in individuals with GNE-related conditions. This variant is not present in population databases (ExAC no frequency). This variant, c.1868_1879del, results in the deletion of 4 amino acid(s) of the GNE protein (p.Ser623_Ala626del), but otherwise preserves the integrity of the reading frame. Experimental studies and prediction algorithms are not available or were not evaluated for this variant, and the functional significance of the affected amino acid(s) is currently unknown. In summary, the available evidence is currently insufficient to determine the role of this variant in disease. Therefore, it has been classified as a Variant of Uncertain Significance.